The following is an entry in ClinVar:

NM_000132.4(F8):c.4072C>T (p.Gln1358Ter)

Gene: F8 (coagulation factor VIII; minus strand). Cytogenetic location: Xq28.
Variant type: single nucleotide variant.
Coding change: c.4072C>T on transcript NM_000132.4 (MANE Select); coding-DNA position 4072, C replaced by T.
Protein change: p.Gln1358Ter; replaces glutamine 1358 with a stop codon.
Molecular consequence: nonsense.
Genome position (GRCh38, 1-based): chrX:154,929,718, G>A on the plus strand (C>T on the coding strand, the complement: F8 is on the minus strand). VCF-style: chrX-154929718-G-A. GRCh37 (hg19) VCF-style: chrX-154157993-G-A.
Other names: p.Gln1358Ter; short protein forms Q1358*.
Identifiers: ClinVar variation 1704288 (VCV001704288.2), dbSNP rs2073181877, ClinGen allele CA414892567.

ClinVar aggregate classification (germline): Pathogenic (1 of 4 stars; one submission).

Conditions:
Hereditary factor VIII deficiency disease (HEMA). Also called: HEMOPHILIA, CLASSIC; AUTOSOMAL HEMOPHILIA A; Hemophilia A; Hemophilia A, congenital; HEM A; Factor 8 deficiency, congenital. Identifiers: Orphanet 98878, MedGen C0019069, MONDO:0010602, OMIM 306700.

Allele frequency attached by ClinVar (database versions not stated): TOPMed 0.00002.

Submission:

Foundation for Research in Genetics and Endocrinology, FRIGE's Institute of Human Genetics
Classification: Pathogenic for Hereditary factor VIII deficiency disease. Last evaluated: 2021-12-14. Review status: criteria provided, single submitter. Criteria: ACMG Guidelines, 2015. Collection method: clinical testing. Allele origin: germline. Inheritance: X-linked inheritance. Affected: yes. Observed: 1 hemizygote.
Comment: A Hemizygous nonsense variation in exon 14 of the F8 gene that results .The observed variant c.4072C>T (p.Gln1358Ter) has not been reported in the 1000 genomes and ExAC databases. The in silico prediction of the variant are possibly damaging by PolyPhen-2 (HumDiv) and damaging by LRT and MutationTaster2. The reference codon is conserved across species.In summary, the variant meets our criteria to be classified as pathogenic.In summary, the variant meets our criteria to be classified as a variant of uncertain significance.